The following is an entry in ClinVar:

NM_001127898.4(CLCN5):c.1448del (p.Gly483fs)

Gene: CLCN5 (chloride voltage-gated channel 5; plus strand). Cytogenetic location: Xp11.23.
Variant type: Deletion.
Coding change: c.1448del on transcript NM_001127898.4 (MANE Select); coding-DNA position 1448, one base deleted (G; older notation c.1448delG).
Protein change: p.Gly483fs; shifts the reading frame from glycine 483.
Molecular consequence: frameshift variant.
Genome position (GRCh38, 1-based): chrX:50,086,761, G deleted; the last of 5 consecutive G bases (chrX:50,086,757-50,086,761); deleting any one gives the same sequence. VCF-style (leftmost placement, unchanged base first): chrX-50086756-AG-A. GRCh37 (hg19) VCF-style: chrX-49851413-AG-A.
Other names: c.1238del, p.Gly413fs (NM_000084.5); c.1448del, p.Gly483fs (NM_001127899.4); c.1298del, p.Gly433fs (NM_001282163.2); short protein forms G413fs, G433fs, G483fs.
Identifiers: ClinVar variation 2671687 (VCV002671687.1), dbSNP rs2519434988, ClinGen allele CA2695200205.

ClinVar aggregate classification (germline): Likely pathogenic (1 of 4 stars; one submission).

Conditions:
Proteinuria, low molecular weight, with hypercalciuria and nephrocalcinosis. Identifiers: Orphanet 1652, Orphanet 93622, MedGen C1839874, MONDO:0010644, OMIM 308990.

Submission:

Neuberg Centre For Genomic Medicine, NCGM
Classification: Likely pathogenic for Proteinuria, low molecular weight, with hypercalciuria and nephrocalcinosis. Last evaluated: 2023-03-01. Review status: criteria provided, single submitter. Criteria: ACMG Guidelines, 2015. Collection method: clinical testing. Allele origin: germline. Inheritance: X-linked recessive inheritance. Affected: yes.
Comment: The frameshift variant c.1448del(p.Gly483ValfsTer21) in CLCN5 gene has been reported in hemizygous state in individuals with Dent disease (Ni J, et al., 2022). The variant is novel (not in any individuals) in gnomAD Exomes and 1000 Genomes. This variant causes a frameshift starting with codon Glycine 483, changes this amino acid to Valine residue, and creates a premature Stop codon at position 21 of the new reading frame, denoted p.Gly483ValfsTer21. This variant is predicted to cause loss of normal protein function through protein truncation. Loss of function variants have been previously reported to be disease causing (Tosetto E, et al., 2009). For these reasons, this variant has been classified as Likely Pathogenic.